The following is an entry in ClinVar:

ClinVar aggregate classification (germline): Uncertain significance (1 of 4 stars; one submission).

Conditions:
RASopathy. Also called: Noonan spectrum disorder; rasopathies. Identifiers: Orphanet 536391, MedGen C5555857, MONDO:0021060.

Allele frequency attached by ClinVar (database versions not stated): gnomAD exomes below 0.00001.
gnomAD v4.1: 2 of 1,613,256 alleles (0.00012%); highest among the groups gnomAD compares: Non-Finnish European, 0.00017%; no homozygotes.

Submission:

Labcorp Genetics (formerly Invitae), Labcorp
Classification: Uncertain significance for RASopathy. Last evaluated: 2024-04-29. Review status: criteria provided, single submitter. Criteria: Invitae Variant Classification Sherloc (09022015). Collection method: clinical testing. Allele origin: germline.
Comment: This sequence change replaces proline, which is neutral and non-polar, with threonine, which is neutral and polar, at codon 1034 of the SOS1 protein (p.Pro1034Thr). This variant is present in population databases (no rsID available, gnomAD 0.006%). This variant has not been reported in the literature in individuals affected with SOS1-related conditions. Advanced modeling of protein sequence and biophysical properties (such as structural, functional, and spatial information, amino acid conservation, physicochemical variation, residue mobility, and thermodynamic stability) performed at Invitae indicates that this missense variant is not expected to disrupt SOS1 protein function with a negative predictive value of 80%. In summary, the available evidence is currently insufficient to determine the role of this variant in disease. Therefore, it has been classified as a Variant of Uncertain Significance.

NM_005633.4(SOS1):c.3100C>A (p.Pro1034Thr)

Gene: SOS1 (SOS Ras/Rac guanine nucleotide exchange factor 1; minus strand). Cytogenetic location: 2p22.1.
Variant type: single nucleotide variant.
Coding change: c.3100C>A on transcript NM_005633.4 (MANE Select); coding-DNA position 3100, C replaced by A.
Protein change: p.Pro1034Thr; replaces proline 1034 with threonine.
Molecular consequence: missense variant.
Genome position (GRCh38, 1-based): chr2:38,995,369, G>T on the plus strand (C>A on the coding strand, the complement: SOS1 is on the minus strand). VCF-style: chr2-38995369-G-T. GRCh37 (hg19) VCF-style: chr2-39222510-G-T.
Other names: c.3079C>A, p.Pro1027Thr (NM_001382394.1); c.3100C>A, p.Pro1034Thr (NM_001382395.1); short protein forms P1027T, P1034T.
Identifiers: ClinVar variation 2967779 (VCV002967779.3), dbSNP rs1167317994, ClinGen allele CA346361229.